The following is an entry in ClinVar:

ClinVar aggregate classification (germline): Uncertain significance (1 of 4 stars; one submission).

Allele frequency attached by ClinVar (database versions not stated): ExAC 0.00001; gnomAD 0.00001; TOPMed 0.00001; ESP Exome Variant Server 0.00008.
gnomAD v4.1: 2 of 1,610,386 alleles (0.00012%); highest among the groups gnomAD compares: Non-Finnish European, 0.00017%; no homozygotes.

Submission:

Labcorp Genetics (formerly Invitae), Labcorp
Classification: Uncertain significance. Last evaluated: 2022-05-07. Review status: criteria provided, single submitter. Criteria: Invitae Variant Classification Sherloc (09022015). Collection method: clinical testing. Allele origin: germline.
Comment: Algorithms developed to predict the effect of missense changes on protein structure and function are either unavailable or do not agree on the potential impact of this missense change (SIFT: "Tolerated"; PolyPhen-2: "Possibly Damaging"; Align-GVGD: "Class C0"). In summary, the available evidence is currently insufficient to determine the role of this variant in disease. Therefore, it has been classified as a Variant of Uncertain Significance. This variant has not been reported in the literature in individuals affected with GSN-related conditions. The frequency data for this variant in the population databases is considered unreliable, as metrics indicate poor data quality at this position in the gnomAD database. This sequence change replaces lysine, which is basic and polar, with arginine, which is basic and polar, at codon 302 of the GSN protein (p.Lys302Arg).

NM_198252.3(GSN):c.752A>G (p.Lys251Arg)

Gene: GSN (gelsolin; plus strand). Cytogenetic location: 9q33.2.
Variant type: single nucleotide variant.
Coding change: c.752A>G on transcript NM_198252.3 (MANE Select); coding-DNA position 752, A replaced by G.
Protein change: p.Lys251Arg; replaces lysine 251 with arginine.
Molecular consequence: missense variant.
Genome position (GRCh38, 1-based): chr9:121,314,022, A>G. VCF-style: chr9-121314022-A-G. GRCh37 (hg19) VCF-style: chr9-124076300-A-G.
Other names: c.905A>G, p.Lys302Arg (NM_000177.5); c.752A>G, p.Lys251Arg (NM_001127662.2, NM_001127664.2, NM_001127665.2 and 10 more transcripts); c.860A>G, p.Lys287Arg (NM_001127663.2); c.785A>G, p.Lys262Arg (NM_001127666.2, NM_001127667.2, NM_001353063.2 and 13 more transcripts); c.803A>G, p.Lys268Arg (NM_001258029.2); c.776A>G, p.Lys259Arg (NM_001258030.2); c.824A>G, p.Lys275Arg (NM_001353076.2); c.98A>G, p.Lys33Arg (NM_001353078.2); short protein forms K259R, K275R, K262R, K287R, K33R, K251R, K268R, K302R.
Identifiers: ClinVar variation 2072351 (VCV002072351.4), dbSNP rs148800857, ClinGen allele CA5221020.